The following is an entry in ClinVar:

ClinVar aggregate classification (germline): Uncertain significance. Review status: criteria provided, multiple submitters, no conflicts (2 of 4 stars). 2 submissions from 2 submitters: Uncertain significance (2). Last evaluated 2025-05-13.

Conditions:
Vitamin D-dependent rickets type II with alopecia (VDDR2A). Also called: GENERALIZED RESISTANCE TO 1,25-DIHYDROXYVITAMIN D; HYPOCALCEMIC VITAMIN D-RESISTANT RICKETS; PDDR IIA; PSEUDOVITAMIN D-DEFICIENCY, TYPE IIA; RICKETS, HEREDITARY VITAMIN D-RESISTANT; RICKETS-ALOPECIA SYNDROME. Identifiers: Orphanet 93160, MedGen C0342646, MONDO:0010186, OMIM 277440.

Submissions (2):

Labcorp Genetics (formerly Invitae), Labcorp
Classification: Uncertain significance. Last evaluated: 2025-05-13. Review status: criteria provided, single submitter. Criteria: Invitae Variant Classification Sherloc (09022015). Collection method: clinical testing. Allele origin: germline.
Comment: This sequence change replaces alanine, which is neutral and non-polar, with aspartic acid, which is acidic and polar, at codon 388 of the VDR protein (p.Ala388Asp). This variant is not present in population databases (gnomAD no frequency). This variant has not been reported in the literature in individuals affected with VDR-related conditions. ClinVar contains an entry for this variant (Variation ID: 1038600). Invitae Evidence Modeling of protein sequence and biophysical properties (such as structural, functional, and spatial information, amino acid conservation, physicochemical variation, residue mobility, and thermodynamic stability) indicates that this missense variant is not expected to disrupt VDR protein function with a negative predictive value of 80%. In summary, the available evidence is currently insufficient to determine the role of this variant in disease. Therefore, it has been classified as a Variant of Uncertain Significance.

Fulgent Genetics
Classification: Uncertain significance for Vitamin D-dependent rickets type II with alopecia. Last evaluated: 2024-03-07. Review status: criteria provided, single submitter. Criteria: ACMG Guidelines, 2015. Collection method: clinical testing. Allele origin: germline.

NM_000376.3(VDR):c.1163C>A (p.Ala388Asp)

Gene: VDR (vitamin D receptor; minus strand). Cytogenetic location: 12q13.11.
Variant type: single nucleotide variant.
Coding change: c.1163C>A on transcript NM_000376.3 (MANE Select); coding-DNA position 1163, C replaced by A.
Protein change: p.Ala388Asp; replaces alanine 388 with aspartic acid.
Molecular consequence: missense variant.
Genome position (GRCh38, 1-based): chr12:47,844,867, G>T on the plus strand (C>A on the coding strand, the complement: VDR is on the minus strand). VCF-style: chr12-47844867-G-T. GRCh37 (hg19) VCF-style: chr12-48238650-G-T.
Other names: c.1163C>A, p.Ala388Asp (NM_001017535.2, NM_001364085.2, NM_001374661.1 and 1 more transcripts); c.1313C>A, p.Ala438Asp (NM_001017536.2); c.1163C>A (NM_001017535.1); short protein forms A438D, A388D.
Identifiers: ClinVar variation 1038600 (VCV001038600.9), dbSNP rs1345774737, ClinGen allele CA384514186.